The following is an entry in ClinVar:

ClinVar aggregate classification (germline): Uncertain significance (1 of 4 stars; one submission).

Submission:

Labcorp Genetics (formerly Invitae), Labcorp
Classification: Uncertain significance. Last evaluated: 2024-12-16. Review status: criteria provided, single submitter. Criteria: Invitae Variant Classification Sherloc (09022015). Collection method: clinical testing. Allele origin: germline.
Comment: This sequence change replaces glutamic acid, which is acidic and polar, with lysine, which is basic and polar, at codon 1080 of the PRPF8 protein (p.Glu1080Lys). This variant is not present in population databases (gnomAD no frequency). This variant has not been reported in the literature in individuals affected with PRPF8-related conditions. ClinVar contains an entry for this variant (Variation ID: 2104891). Invitae Evidence Modeling of protein sequence and biophysical properties (such as structural, functional, and spatial information, amino acid conservation, physicochemical variation, residue mobility, and thermodynamic stability) indicates that this missense variant is expected to disrupt PRPF8 protein function with a positive predictive value of 80%. In summary, the available evidence is currently insufficient to determine the role of this variant in disease. Therefore, it has been classified as a Variant of Uncertain Significance.

NM_006445.4(PRPF8):c.3238G>A (p.Glu1080Lys)

Gene: PRPF8 (pre-mRNA processing factor 8; minus strand). Cytogenetic location: 17p13.3.
Variant type: single nucleotide variant.
Coding change: c.3238G>A on transcript NM_006445.4 (MANE Select); coding-DNA position 3238, G replaced by A.
Protein change: p.Glu1080Lys; replaces glutamic acid 1080 with lysine.
Molecular consequence: missense variant.
Genome position (GRCh38, 1-based): chr17:1,674,503, C>T on the plus strand (G>A on the coding strand, the complement: PRPF8 is on the minus strand). VCF-style: chr17-1674503-C-T. GRCh37 (hg19) VCF-style: chr17-1577797-C-T.
Other names: short protein forms E1080K.
Identifiers: ClinVar variation 2104891 (VCV002104891.4), dbSNP rs2543763021, ClinGen allele CA397542521.
Genomic context (GRCh38, chr17:1,674,503, plus strand): 5'-TGAAAAAAATATGGATGCGATCAATGTATCTGCAGAAGAGACGGATGGGGTGGGCAGCCT[C>T]AGTGGCTATGTCCTGGAAACTGAGAAAGTCATTTGGCATCTGAGGGGGCCCAGCCATCTC-3'
Protein context (NP_006436.3, residues 1070-1090): DFLSFQDIAT[Glu1080Lys]AAHPIRLFCR